The following is an entry in ClinVar:

NM_001379500.1(COL18A1):c.1707C>T (p.Ser569=)

Gene: COL18A1 (collagen type XVIII alpha 1 chain; plus strand). Cytogenetic location: 21q22.3.
Variant type: single nucleotide variant.
Coding change: c.1707C>T on transcript NM_001379500.1 (MANE Select); coding-DNA position 1707, C replaced by T.
Protein change: p.Ser569=; no amino-acid change (serine 569 retained).
Molecular consequence: synonymous variant.
Genome position (GRCh38, 1-based): chr21:45,486,866, C>T. VCF-style: chr21-45486866-C-T. GRCh37 (hg19) VCF-style: chr21-46906780-C-T.
Other names: NM_130445.2:c.1707C>T; c.2247C>T (NM_030582.3); c.2247C>T, p.Ser749= (NM_030582.4); c.2952C>T, p.Ser984= (NM_130444.3).
Identifiers: ClinVar variation 340228 (VCV000340228.22), dbSNP rs559725056, ClinGen allele CA10066530.
Genomic context (GRCh38, chr21:45,486,866, plus strand): 5'-GCAGGGCCAGCGGGGGCTGGGCTGGGTCCTGACACGCTCTCCTCACCCCACGCAGGGGAG[C>T]AAGGGAGCCCCCGGTCCTGCTGGTGCTCGTGGGGAGAGCGGCCTGGCAGGAGCCCCCGGA-3'
Protein context (NP_001366429.1, residues 559-579): GEAGAPGHKG[Ser569=]KGAPGPAGAR

ClinVar aggregate classification (germline): Conflicting classifications of pathogenicity. Review status: criteria provided, conflicting classifications (1 of 4 stars). 6 submissions from 6 submitters: Uncertain significance (1); Likely benign (4). 1 of the submissions does not count toward it. Last evaluated 2026-07-01.

Conditions:
Knobloch syndrome (KNO). Also called: Myopia retinal detachment encephalocele; RETINAL DETACHMENT AND OCCIPITAL ENCEPHALOCELE. Identifiers: Orphanet 1571, MedGen C1849409, MONDO:0800166.
COL18A1-related disorder. Also called: COL18A1-related condition; COL18A1-related disorders.

Allele frequency attached by ClinVar (database versions not stated): 1000 Genomes Project 30x 0.00031; 1000 Genomes Project 0.00040; gnomAD exomes 0.00088 and 0.00165; gnomAD 0.00094 and 0.00105; TOPMed 0.00101; ExAC 0.00106.
gnomAD v4.1: 2,391 of 1,528,548 alleles (0.16%); highest among the groups gnomAD compares: Middle Eastern, 0.36%; 2 homozygotes.

Submissions (7):

CeGaT Center for Human Genetics Tuebingen
Classification: Likely benign. Last evaluated: 2026-07-01. Review status: criteria provided, single submitter. Criteria: CeGaT Center For Human Genetics Tuebingen Variant Classification Criteria Version 2. Collection method: clinical testing. Allele origin: germline. Affected: yes. Observed: 2 variant alleles.
Comment: COL18A1: BP4, BP7

Labcorp Genetics (formerly Invitae), Labcorp
Classification: Likely benign. Last evaluated: 2026-02-02. Review status: criteria provided, single submitter. Criteria: Invitae Variant Classification Sherloc (09022015). Collection method: clinical testing. Allele origin: germline.

Blueprint Genetics
Classification: Likely benign. Last evaluated: 2024-11-05. Review status: criteria provided, single submitter. Criteria: ACMG Guidelines, 2015. Collection method: clinical testing. Allele origin: germline.

Women's Health and Genetics/Laboratory Corporation of America, LabCorp
Classification: Likely benign. Last evaluated: 2024-10-29. Review status: criteria provided, single submitter. Criteria: LabCorp Variant Classification Summary - May 2015. Collection method: clinical testing. Allele origin: germline.

Illumina Laboratory Services, Illumina
Classification: Uncertain significance for Knobloch syndrome 1. Last evaluated: 2018-01-13. Review status: criteria provided, single submitter. Criteria: ICSL Variant Classification Criteria 13 December 2019. Collection method: clinical testing. Allele origin: germline.

PreventionGenetics, part of Exact Sciences
Classification: Likely benign for COL18A1-related condition. Last evaluated: 2023-05-17. Review status: no assertion criteria provided. Collection method: clinical testing. Allele origin: germline. Not counted in ClinVar's aggregate classification.
Comment: This variant is classified as likely benign based on ACMG/AMP sequence variant interpretation guidelines (Richards et al. 2015 PMID: 25741868, with internal and published modifications).

Dr. Peter K. Rogan Lab, Western University
No classification provided (evidence only). Condition: Papillary renal cell carcinoma type 1. Review status: no classification provided. Collection method: in vitro. Allele origin: not applicable. Functional consequence: retained intron. Not counted in ClinVar's aggregate classification.